The following is an entry in ClinVar:

NC_000017.11:g.44001566C>T

Genes: NAGS (N-acetylglutamate synthase; plus strand), PYY (peptide YY; minus strand). Cytogenetic location: 17q21.31.
Variant type: single nucleotide variant.
Molecular consequence: intron variant (on NM_004160.6).
Genome position: GRCh38 VCF-style: chr17-44001566-C-T. GRCh37 (hg19) VCF-style: chr17-42078934-C-T.
Other names: NAGS:c.-3098C>T; c.-463+2825G>A (NM_004160.6); c.-3098C>T (NM_153006.3).
Identifiers: ClinVar variation 1184141 (VCV001184141.5), dbSNP rs2143971053, ClinGen allele CA2499224649.

ClinVar aggregate classification (germline): Uncertain significance. Review status: criteria provided, single submitter (1 of 4 stars). 2 submissions from 2 submitters: Uncertain significance (1). 1 of the submissions does not count toward it. Last evaluated 2024-04-22.

Conditions:
Hyperammonemia, type III (NAGSD). Also called: Hyperammonemia due to N-acetylglutamate synthase deficiency. Identifiers: Orphanet 927, MedGen C0268543, MONDO:0009377, OMIM 237310.

Submissions (2):

Women's Health and Genetics/Laboratory Corporation of America, LabCorp
Classification: Uncertain significance. Last evaluated: 2024-04-22. Review status: criteria provided, single submitter. Criteria: LabCorp Variant Classification Summary - May 2015. Collection method: clinical testing. Allele origin: germline.
Comment: Variant summary: NAGS c.-3098C>T is located in the untranscribed region upstream of the NAGS gene region. The variant was absent in 31380 control chromosomes. The available data on variant occurrences in the general population are insufficient to allow any conclusion about variant significance. c.-3098C>T has been reported in the literature in individuals affected with Hyperammonemia, type III (Makris_2021, Haberle_2021). These data indicate that the variant may be associated with disease. To our knowledge, no experimental evidence demonstrating an impact on protein function has been reported. The following publications have been ascertained in the context of this evaluation (PMID: 33309754, 34510628). ClinVar contains an entry for this variant (Variation ID: 1184141). Based on the evidence outlined above, the variant was classified as VUS-possibly pathogenic.

Caldovic Lab, Children's National Health System
Classification: Likely pathogenic for Hyperammonemia, type III. Last evaluated: 2021-07-22. Review status: no assertion criteria provided. Collection method: research. Allele origin: germline. Inheritance: Autosomal recessive inheritance. Affected: yes. Observed: 1 variant allele, 1 homozygote. Not counted in ClinVar's aggregate classification.
Comment: The c.-3098C>T variant alters conserved bp in the -3kb enhancer of the NAGS gene. The variant resides in a predicted glucocorticoid receptor binding site. In silico tool CADD predicted deleterious effect of this variant while MutationTaster2 predicted that this variant is disease causing.. The variant is absent from the gnomAD v2.1.1. control population data set. Functional testing using reporter gene assays in HepG2 and HuH-7 cells indicated that c.-3098C>T variant can decrease NAGS gene expression. The variant is classified as likely pathogenic.

Literature cited by the submitters: PubMed 33309754 (cited by Women's Health and Genetics/Laboratory Corporation of America, LabCorp); PubMed 34510628 (cited by Women's Health and Genetics/Laboratory Corporation of America, LabCorp).